The following is an entry in ClinVar:

NM_024642.5(GALNT12):c.1465G>C (p.Glu489Gln)

Gene: GALNT12 (polypeptide N-acetylgalactosaminyltransferase 12; plus strand). Cytogenetic location: 9q22.33.
Variant type: single nucleotide variant.
Coding change: c.1465G>C on transcript NM_024642.5 (MANE Select); coding-DNA position 1465, G replaced by C.
Protein change: p.Glu489Gln; replaces glutamic acid 489 with glutamine.
Molecular consequence: missense variant.
Genome position (GRCh38, 1-based): chr9:98,845,983, G>C. VCF-style: chr9-98845983-G-C. GRCh37 (hg19) VCF-style: chr9-101608265-G-C.
Other names: short protein forms E489Q.
Identifiers: ClinVar variation 1773246 (VCV001773246.7), dbSNP rs137917376, ClinGen allele CA374221598.

ClinVar aggregate classification (germline): Uncertain significance. Review status: criteria provided, multiple submitters, no conflicts (2 of 4 stars). 3 submissions from 3 submitters: Uncertain significance (3). Last evaluated 2025-02-10.

Conditions:
Colorectal cancer, susceptibility to, 1. Also called: COLORECTAL ADENOMA AND CANCER, SUSCEPTIBILITY TO; COLORECTAL CANCER, SUSCEPTIBILITY TO, ON CHROMOSOME 9. Identifiers: MedGen C1837315, MONDO:0012132, OMIM 608812.

Submissions (3):

Labcorp Genetics (formerly Invitae), Labcorp
Classification: Uncertain significance. Last evaluated: 2025-02-10. Review status: criteria provided, single submitter. Criteria: Invitae Variant Classification Sherloc (09022015). Collection method: clinical testing. Allele origin: germline.
Comment: This sequence change replaces glutamic acid, which is acidic and polar, with glutamine, which is neutral and polar, at codon 489 of the GALNT12 protein (p.Glu489Gln). This variant is not present in population databases (gnomAD no frequency). This variant has not been reported in the literature in individuals affected with GALNT12-related conditions. ClinVar contains an entry for this variant (Variation ID: 1773246). Invitae Evidence Modeling of protein sequence and biophysical properties (such as structural, functional, and spatial information, amino acid conservation, physicochemical variation, residue mobility, and thermodynamic stability) indicates that this missense variant is not expected to disrupt GALNT12 protein function with a negative predictive value of 80%. In summary, the available evidence is currently insufficient to determine the role of this variant in disease. Therefore, it has been classified as a Variant of Uncertain Significance.

Ambry Genetics
Classification: Uncertain significance. Last evaluated: 2024-09-22. Review status: criteria provided, single submitter. Criteria: Ambry Variant Classification Scheme 2023. Collection method: clinical testing. Allele origin: germline.
Comment: The p.E489Q variant (also known as c.1465G>C), located in coding exon 9 of the GALNT12 gene, results from a G to C substitution at nucleotide position 1465. The glutamic acid at codon 489 is replaced by glutamine, an amino acid with highly similar properties. This amino acid position is highly conserved in available vertebrate species. In addition, the in silico prediction for this alteration is inconclusive. The evidence for this gene-disease relationship is limited; therefore, the clinical significance of this alteration is unclear.

Baylor Genetics
Classification: Uncertain significance for Colorectal cancer, susceptibility to, 1. Last evaluated: 2024-02-29. Review status: criteria provided, single submitter. Criteria: ACMG Guidelines, 2015. Collection method: clinical testing. Allele origin: unknown.